The following is an entry in ClinVar:

ClinVar aggregate classification (germline): Uncertain significance (1 of 4 stars; one submission).

Submission:

Labcorp Genetics (formerly Invitae), Labcorp
Classification: Uncertain significance. Last evaluated: 2022-08-30. Review status: criteria provided, single submitter. Criteria: Invitae Variant Classification Sherloc (09022015). Collection method: clinical testing. Allele origin: germline.
Comment: This variant has not been reported in the literature in individuals affected with GATAD2B-related conditions. Algorithms developed to predict the effect of missense changes on protein structure and function are either unavailable or do not agree on the potential impact of this missense change (SIFT: "Not Available"; PolyPhen-2: "Possibly Damaging"; Align-GVGD: "Not Available"). In summary, the available evidence is currently insufficient to determine the role of this variant in disease. Therefore, it has been classified as a Variant of Uncertain Significance. This sequence change replaces asparagine, which is neutral and polar, with histidine, which is basic and polar, at codon 557 of the GATAD2B protein (p.Asn557His). This variant is not present in population databases (gnomAD no frequency).

NM_020699.4(GATAD2B):c.1669A>C (p.Asn557His)

Gene: GATAD2B (GATA zinc finger domain containing 2B; minus strand). Cytogenetic location: 1q21.3.
Variant type: single nucleotide variant.
Coding change: c.1669A>C on transcript NM_020699.4 (MANE Select); coding-DNA position 1669, A replaced by C.
Protein change: p.Asn557His; replaces asparagine 557 with histidine.
Molecular consequence: missense variant.
Genome position (GRCh38, 1-based): chr1:153,810,290, T>G on the plus strand (A>C on the coding strand, the complement: GATAD2B is on the minus strand). VCF-style: chr1-153810290-T-G. GRCh37 (hg19) VCF-style: chr1-153782766-T-G.
Other names: short protein forms N557H.
Identifiers: ClinVar variation 1720770 (VCV001720770.5), dbSNP rs2525228929, ClinGen allele CA342580540.